The following is an entry in ClinVar:

ClinVar aggregate classification (germline): Uncertain significance (1 of 4 stars; one submission).

Conditions:
Nemaline myopathy 5 (NEM5A). Also called: NEMALINE MYOPATHY 5A, AUTOSOMAL RECESSIVE, SEVERE INFANTILE; Nemaline myopathy 5, Amish type; NEMALINE MYOPATHY, AMISH TYPE. Identifiers: Orphanet 98902, MedGen C1854380, MONDO:0011539, OMIM 605355.

Allele frequency attached by ClinVar (database versions not stated): gnomAD 0.00003 and 0.00004; TOPMed 0.00005.
gnomAD v4.1: 68 of 1,612,220 alleles (0.0042%); highest among the groups gnomAD compares: East Asian, 0.025%; no homozygotes.

Submission:

Labcorp Genetics (formerly Invitae), Labcorp
Classification: Uncertain significance for Nemaline myopathy 5. Last evaluated: 2021-08-24. Review status: criteria provided, single submitter. Criteria: Invitae Variant Classification Sherloc (09022015). Collection method: clinical testing. Allele origin: germline.
Comment: This sequence change replaces glutamic acid with lysine at codon 188 of the TNNT1 protein (p.Glu188Lys). The glutamic acid residue is moderately conserved and there is a small physicochemical difference between glutamic acid and lysine. This variant is present in population databases (rs201519507, ExAC 0.08%). This variant has not been reported in the literature in individuals affected with TNNT1-related conditions. Algorithms developed to predict the effect of missense changes on protein structure and function are either unavailable or do not agree on the potential impact of this missense change (SIFT: "Tolerated"; PolyPhen-2: "Possibly Damaging"; Align-GVGD: "Class C0"). In summary, the available evidence is currently insufficient to determine the role of this variant in disease. Therefore, it has been classified as a Variant of Uncertain Significance.

NM_003283.6(TNNT1):c.562G>A (p.Glu188Lys)

Gene: TNNT1 (troponin T1, slow skeletal type; minus strand). Cytogenetic location: 19q13.42.
Variant type: single nucleotide variant.
Coding change: c.562G>A on transcript NM_003283.6 (MANE Select); coding-DNA position 562, G replaced by A.
Protein change: p.Glu188Lys; replaces glutamic acid 188 with lysine.
Molecular consequence: missense variant.
Genome position (GRCh38, 1-based): chr19:55,137,152, C>T on the plus strand (G>A on the coding strand, the complement: TNNT1 is on the minus strand). VCF-style: chr19-55137152-C-T. GRCh37 (hg19) VCF-style: chr19-55648520-C-T.
Other names: c.562G>A, p.Glu188Lys (NM_001126132.3); c.529G>A, p.Glu177Lys (NM_001126133.3, NM_001291774.2); short protein forms E177K, E188K.
Identifiers: ClinVar variation 847963 (VCV000847963.7), dbSNP rs201519507, ClinGen allele CA9667368.
Genomic context (GRCh38, chr19:55,137,152, plus strand): 5'-ACAGCACCTACCGGAGCTGTTCCTCCCCCATGTAGTCAATGTCCAGAGGCTTCTTACGCT[C>T]GGAGAGGATGCGCACCTTCATCTCCCGCCCCGTCTGCCGCTTACCACGCTTCTGTTCTGC-3'
Protein context (NP_003274.3, residues 178-198): GREMKVRILS[Glu188Lys]RKKPLDIDYM